The following is an entry in ClinVar:

NM_016373.4(WWOX):c.736G>A (p.Val246Ile)

Gene: WWOX (WW domain containing oxidoreductase; plus strand). Cytogenetic location: 16q23.1.
Variant type: single nucleotide variant.
Coding change: c.736G>A on transcript NM_016373.4 (MANE Select); coding-DNA position 736, G replaced by A.
Protein change: p.Val246Ile; replaces valine 246 with isoleucine.
Molecular consequence: missense variant.
Genome position (GRCh38, 1-based): chr16:78,425,000, G>A. VCF-style: chr16-78425000-G-A. GRCh37 (hg19) VCF-style: chr16-78458897-G-A.
Other names: c.397G>A, p.Val133Ile (NM_001291997.2); short protein forms V133I, V246I.
Identifiers: ClinVar variation 1478799 (VCV001478799.6), dbSNP rs1262275069, ClinGen allele CA396842916.

ClinVar aggregate classification (germline): Uncertain significance (1 of 4 stars; one submission).

Conditions:
Developmental and epileptic encephalopathy, 1 (DEE1). Also called: X-linked infantile spasms; West's syndrome; Tonic spasms with clustering, arrest of psychomotor development and hypsarrhythmia on EEG; X-Linked Infantile Spasm Syndrome; OHTAHARA SYNDROME, X-LINKED; INFANTILE SPASM SYNDROME, X-LINKED 1. Identifiers: MedGen C3463992, MONDO:0010632, OMIM 308350. Disease mechanism: loss of function.
Autosomal recessive spinocerebellar ataxia 12. Also called: SPINOCEREBELLAR ATAXIA WITH MENTAL RETARDATION AND EPILEPSY. Identifiers: Orphanet 284282, MedGen C3280452, MONDO:0013687, OMIM 614322.

Allele frequency attached by ClinVar (database versions not stated): gnomAD exomes below 0.00001.
gnomAD v4.1: 2 of 1,614,132 alleles (0.00012%); highest among the groups gnomAD compares: Non-Finnish European, 0.00017%; no homozygotes.

Submission:

Labcorp Genetics (formerly Invitae), Labcorp
Classification: Uncertain significance for Developmental and epileptic encephalopathy, 1; Autosomal recessive spinocerebellar ataxia 12. Last evaluated: 2022-06-13. Review status: criteria provided, single submitter. Criteria: Invitae Variant Classification Sherloc (09022015). Collection method: clinical testing. Allele origin: germline.
Comment: In summary, the available evidence is currently insufficient to determine the role of this variant in disease. Therefore, it has been classified as a Variant of Uncertain Significance. Algorithms developed to predict the effect of missense changes on protein structure and function are either unavailable or do not agree on the potential impact of this missense change (SIFT: "Not Available"; PolyPhen-2: "Benign"; Align-GVGD: "Not Available"). This variant has not been reported in the literature in individuals affected with WWOX-related conditions. This variant is present in population databases (no rsID available, gnomAD 0.0009%). This sequence change replaces valine with isoleucine at codon 246 of the WWOX protein (p.Val246Ile). The valine residue is moderately conserved and there is a small physicochemical difference between valine and isoleucine.